The following is an entry in ClinVar:

NM_018446.4(GLT8D1):c.1095C>T (p.Thr365=)

Gene: GLT8D1 (glycosyltransferase 8 domain containing 1; minus strand). Cytogenetic location: 3p21.1.
Variant type: single nucleotide variant.
Coding change: c.1095C>T on transcript NM_018446.4 (MANE Select); coding-DNA position 1095, C replaced by T.
Protein change: p.Thr365=; no amino-acid change (threonine 365 retained).
Molecular consequence: synonymous variant.
Genome position (GRCh38, 1-based): chr3:52,694,866, G>A on the plus strand (C>T on the coding strand, the complement: GLT8D1 is on the minus strand). VCF-style: chr3-52694866-G-A. GRCh37 (hg19) VCF-style: chr3-52728882-G-A.
Other names: c.1095C>T, p.Thr365= (NM_001010983.3, NM_001278280.2, NM_001278281.2 and 1 more transcripts).
Identifiers: ClinVar variation 5041209 (VCV005041209.1).
Genomic context (GRCh38, chr3:52,694,866, plus strand): 5'-ACTTCCTGAGAAATGCTTGCTTACAGTTCAAATTCTGTTTCACTTTATGTTTGAGATCTC[G>A]GTATATCTTCGGATTAGGTTGAATTTGCCTGTTGGGTCTGGAATATACCATTTTTCCCAA-3'
Protein context (NP_060916.1, residues 355-371): TGKFNLIRRY[Thr365=]EISNIK

ClinVar aggregate classification (germline): Likely benign (1 of 4 stars; one submission).

Submission:

CeGaT Center for Human Genetics Tuebingen
Classification: Likely benign. Last evaluated: 2026-10-01. Review status: criteria provided, single submitter. Criteria: CeGaT Center For Human Genetics Tuebingen Variant Classification Criteria Version 2. Collection method: clinical testing. Allele origin: germline. Affected: yes. Observed: 1 variant allele.
Comment: GLT8D1: BP4, BP7